The following is an entry in ClinVar:

ClinVar aggregate classification (germline): Likely pathogenic (1 of 4 stars; one submission).

Conditions:
Peroxisome biogenesis disorder. Identifiers: Orphanet 79189, MedGen C1832200, MONDO:0019234. Disease mechanism: loss of function.

Submission:

Myriad Genetics, Inc.
Classification: Likely pathogenic for Peroxisome biogenesis disorder. Last evaluated: 2022-05-18. Review status: criteria provided, single submitter. Criteria: Myriad Autosomal Dominant, Autosomal Recessive and X-Linked Classification Criteria (2023). Collection method: clinical testing. Allele origin: unknown.
Comment: NM_000466.2(PEX1):c.2849dupG(H951Sfs*2) is expected to be pathogenic in the context of peroxisome biogenesis disorder type 1. This variant is predicted to lead to an abnormal or absent protein product due to the creation of a premature termination codon in PEX1, a gene where loss-of-function variants are known to be pathogenic. Please note: this variant was assessed in the context of healthy population screening.

NM_000466.3(PEX1):c.2849dup (p.His951fs)

Genes: GATAD1 (GATA zinc finger domain containing 1; plus strand), PEX1 (peroxisomal biogenesis factor 1; minus strand). Cytogenetic location: 7q21.2.
Variant type: Duplication.
Coding change: c.2849dup on transcript NM_000466.3 (MANE Select); coding-DNA position 2849, one base duplicated (G; older notation c.2849dupG).
Protein change: p.His951fs; shifts the reading frame from histidine 951.
Molecular consequence: frameshift variant.
Genome position (GRCh38, 1-based): chr7:92,494,564, C duplicated on the plus strand (G on the coding strand, the reverse complement: PEX1 is on the minus strand); the first of 4 consecutive C bases (chr7:92,494,564-92,494,567); duplicating any one gives the same sequence. VCF-style (leftmost placement, unchanged base first): chr7-92494563-A-AC. GRCh37 (hg19) VCF-style: chr7-92123877-A-AC.
Other names: c.2678dup, p.His894fs (NM_001282677.2); c.2225dup, p.His743fs (NM_001282678.2); short protein forms H743fs, H894fs, H951fs.
Identifiers: ClinVar variation 1726171 (VCV001726171.3), dbSNP rs2484638489, ClinGen allele CA2580077514.